The following is an entry in ClinVar:

ClinVar aggregate classification (germline): Uncertain significance. Review status: criteria provided, multiple submitters, no conflicts (2 of 4 stars). 2 submissions from 2 submitters: Uncertain significance (2). Last evaluated 2022-09-12.

Allele frequency attached by ClinVar (database versions not stated): gnomAD exomes 0.00001; TOPMed 0.00001; ExAC 0.00002; gnomAD 0.00001.

Submissions (3):

GeneDx
Classification: Uncertain significance. Last evaluated: 2022-09-12. Review status: criteria provided, single submitter. Criteria: GeneDx Variant Classification Process June 2021. Collection method: clinical testing. Allele origin: germline. Affected: yes.
Comment: Not observed at significant frequency in large population cohorts (gnomAD); In silico analysis supports that this missense variant has a deleterious effect on protein structure/function; In addition, in silico splice predictors suggest this variant may lead to abnormal gene splicing; in the absence of RNA/functional studies, the actual effect of this sequence change is unknown; Has not been previously published as pathogenic or benign to our knowledge

Labcorp Genetics (formerly Invitae), Labcorp
Classification: Uncertain significance. Last evaluated: 2022-08-21. Review status: criteria provided, single submitter. Criteria: Invitae Variant Classification Sherloc (09022015). Collection method: clinical testing. Allele origin: germline.
Comment: This sequence change replaces arginine, which is basic and polar, with glutamine, which is neutral and polar, at codon 623 of the TUBGCP6 protein (p.Arg623Gln). This variant is present in population databases (rs758447540, gnomAD 0.003%). This variant has not been reported in the literature in individuals affected with TUBGCP6-related conditions. Algorithms developed to predict the effect of missense changes on protein structure and function are either unavailable or do not agree on the potential impact of this missense change (SIFT: "Tolerated"; PolyPhen-2: "Probably Damaging"; Align-GVGD: "Class C0"). Algorithms developed to predict the effect of sequence changes on RNA splicing suggest that this variant may disrupt the consensus splice site. In summary, the available evidence is currently insufficient to determine the role of this variant in disease. Therefore, it has been classified as a Variant of Uncertain Significance.

Dr. Peter K. Rogan Lab, Western University
No classification provided (evidence only). Condition: Gastric cancer. Review status: no classification provided. Collection method: in vitro. Allele origin: not applicable. Functional consequence: retained intron. Not counted in ClinVar's aggregate classification.

NM_020461.4(TUBGCP6):c.1868G>A (p.Arg623Gln)

Gene: TUBGCP6 (tubulin gamma complex component 6; minus strand). Cytogenetic location: 22q13.33.
Variant type: single nucleotide variant.
Coding change: c.1868G>A on transcript NM_020461.4 (MANE Select); coding-DNA position 1868, G replaced by A.
Protein change: p.Arg623Gln; replaces arginine 623 with glutamine.
Molecular consequence: missense variant.
Genome position (GRCh38, 1-based): chr22:50,225,909, C>T on the plus strand (G>A on the coding strand, the complement: TUBGCP6 is on the minus strand). VCF-style: chr22-50225909-C-T. GRCh37 (hg19) VCF-style: chr22-50664338-C-T.
Other names: c.1868G>A (NM_020461.3); short protein forms R623Q.
Identifiers: ClinVar variation 1958110 (VCV001958110.4), dbSNP rs758447540, ClinGen allele CA10308470.